The following is an entry in ClinVar:

NM_003190.5(TAPBP):c.867_868del (p.Tyr289_Lys290delinsTer)

Gene: TAPBP (TAP binding protein; minus strand). Cytogenetic location: 6p21.32.
Variant type: Deletion.
Coding change: c.867_868del on transcript NM_003190.5 (MANE Select); coding-DNA positions 867 to 868, 2 bases deleted (CA; older notation c.867_868delCA).
Protein change: p.Tyr289_Lys290delinsTer.
Molecular consequence: nonsense.
Genome position (GRCh38, 1-based): chr6:33,304,989-33,304,990, TG deleted on the plus strand (CA on the coding strand, the reverse complement: TAPBP is on the minus strand); deleting any 2 consecutive bases within chr6:33,304,989-33,304,991 gives the same sequence; the c. name uses the placement nearest the transcript's 3' end. VCF-style (leftmost placement, unchanged base first): chr6-33304988-CTG-C. GRCh37 (hg19) VCF-style: chr6-33272765-CTG-C.
Other names: c.867_868del, p.Tyr289_Lys290delinsTer (NM_172208.3); c.606_607del, p.Tyr202_Lys203delinsTer (NM_172209.3).
Identifiers: ClinVar variation 935309 (VCV000935309.7), dbSNP rs1301955419, ClinGen allele CA824044750.

ClinVar aggregate classification (germline): Uncertain significance (1 of 4 stars; one submission).

Conditions:
MHC class I deficiency. Identifiers: Orphanet 34592, MedGen C6024714, MONDO:0011476.

Submission:

Labcorp Genetics (formerly Invitae), Labcorp
Classification: Uncertain significance for MHC class I deficiency 1. Last evaluated: 2019-08-22. Review status: criteria provided, single submitter. Criteria: Invitae Variant Classification Sherloc (09022015). Collection method: clinical testing. Allele origin: germline.
Comment: This sequence change creates a premature translational stop signal (p.Tyr289*) in the TAPBP gene. It is expected to result in an absent or disrupted protein product. In summary, the available evidence is currently insufficient to determine the role of this variant in disease. Therefore, it has been classified as a Variant of Uncertain Significance. The current clinical and genetic evidence is not sufficient to establish whether loss-of-function variants in TAPBP cause disease. Algorithms developed to predict the effect of sequence changes on RNA splicing suggest that this variant may disrupt the consensus splice site, but this prediction has not been confirmed by published transcriptional studies. This variant has not been reported in the literature in individuals with TAPBP-related conditions. This variant is not present in population databases (ExAC no frequency).